The following is an entry in ClinVar:

ClinVar aggregate classification (germline): Likely pathogenic (1 of 4 stars; one submission).

Conditions:
Niemann-Pick disease, type C1. Also called: NEUROVISCERAL STORAGE DISEASE WITH VERTICAL SUPRANUCLEAR OPHTHALMOPLEGIA; NIEMANN-PICK DISEASE WITH CHOLESTEROL ESTERIFICATION BLOCK; NIEMANN-PICK DISEASE WITHOUT SPHINGOMYELINASE DEFICIENCY; NIEMANN-PICK DISEASE, CHRONIC NEURONOPATHIC FORM; NIEMANN-PICK DISEASE, VARIANT TYPE C1. Identifiers: Orphanet 646, MedGen C3179455, MONDO:0009757, OMIM 257220.

Allele frequency attached by ClinVar (database versions not stated): gnomAD exomes below 0.00001.
gnomAD v4.1: 4 of 1,612,788 alleles (0.00025%); highest among the groups gnomAD compares: Non-Finnish European, 0.00034%; no homozygotes.

Submission:

Labcorp Genetics (formerly Invitae), Labcorp
Classification: Likely pathogenic for Niemann-Pick disease, type C1. Last evaluated: 2022-03-03. Review status: criteria provided, single submitter. Criteria: Invitae Variant Classification Sherloc (09022015). Collection method: clinical testing. Allele origin: germline.
Comment: This sequence change replaces valine, which is neutral and non-polar, with glutamic acid, which is acidic and polar, at codon 517 of the NPC1 protein (p.Val517Glu). This variant is not present in population databases (gnomAD no frequency). In summary, the currently available evidence indicates that the variant is pathogenic, but additional data are needed to prove that conclusively. Therefore, this variant has been classified as Likely Pathogenic. This missense change has been observed in individual(s) with Niemann-Pick disease type C (Invitae). In at least one individual the data is consistent with being in trans (on the opposite chromosome) from a pathogenic variant. Advanced modeling of protein sequence and biophysical properties (such as structural, functional, and spatial information, amino acid conservation, physicochemical variation, residue mobility, and thermodynamic stability) performed at Invitae indicates that this missense variant is expected to disrupt NPC1 protein function.

NM_000271.5(NPC1):c.1550T>A (p.Val517Glu)

Gene: NPC1 (NPC intracellular cholesterol transporter 1; minus strand). Cytogenetic location: 18q11.2.
Variant type: single nucleotide variant.
Coding change: c.1550T>A on transcript NM_000271.5 (MANE Select); coding-DNA position 1550, T replaced by A.
Protein change: p.Val517Glu; replaces valine 517 with glutamic acid.
Molecular consequence: missense variant.
Genome position (GRCh38, 1-based): chr18:23,554,761, A>T on the plus strand (T>A on the coding strand, the complement: NPC1 is on the minus strand). VCF-style: chr18-23554761-A-T. GRCh37 (hg19) VCF-style: chr18-21134725-A-T.
Other names: short protein forms V517E.
Identifiers: ClinVar variation 1477531 (VCV001477531.8), dbSNP rs2145446753, ClinGen allele CA401775226.
Genomic context (GRCh38, chr18:23,554,761, plus strand): 5'-GTACCCTAAGTCAGACCCAAGAATGGTGTCTACCAATGATTGTCTCTTGCCACTTACCGT[A>T]CGCAGTACAGAAAGTGCGTGTGGTAATCGGCATACACAAAGAAGTCGTCCCCTTTCTTGT-3'
Protein context (NP_000262.2, residues 507-527): ADYHTHFLYC[Val517Glu]RAPASLNDTS